The following is an entry in ClinVar:

NM_006231.4(POLE):c.6769A>G (p.Ile2257Val)

Gene: POLE (DNA polymerase epsilon, catalytic subunit; minus strand). Cytogenetic location: 12q24.33.
Variant type: single nucleotide variant.
Coding change: c.6769A>G on transcript NM_006231.4 (MANE Select); coding-DNA position 6769, A replaced by G.
Protein change: p.Ile2257Val; replaces isoleucine 2257 with valine.
Molecular consequence: missense variant.
Genome position (GRCh38, 1-based): chr12:132,624,789, T>C on the plus strand (A>G on the coding strand, the complement: POLE is on the minus strand). VCF-style: chr12-132624789-T-C. GRCh37 (hg19) VCF-style: chr12-133201375-T-C.
Other names: short protein forms I2257V.
Identifiers: ClinVar variation 1026133 (VCV001026133.11), dbSNP rs1566306858, ClinGen allele CA387365857.

ClinVar aggregate classification (germline): Conflicting classifications of pathogenicity. Review status: criteria provided, conflicting classifications (1 of 4 stars). 2 submissions from 2 submitters: Uncertain significance (1); Likely benign (1). Last evaluated 2024-05-11.

Conditions:
Hereditary cancer-predisposing syndrome. Also called: Neoplastic Syndromes, Hereditary; Tumor predisposition; Hereditary Cancer Syndrome; Hereditary neoplastic syndrome. Identifiers: Orphanet 140162, MedGen C0027672, MeSH D009386, MONDO:0015356.

Submissions (2):

Labcorp Genetics (formerly Invitae), Labcorp
Classification: Uncertain significance. Last evaluated: 2024-05-11. Review status: criteria provided, single submitter. Criteria: Invitae Variant Classification Sherloc (09022015). Collection method: clinical testing. Allele origin: germline.
Comment: This sequence change replaces isoleucine, which is neutral and non-polar, with valine, which is neutral and non-polar, at codon 2257 of the POLE protein (p.Ile2257Val). This variant is not present in population databases (gnomAD no frequency). This variant has not been reported in the literature in individuals affected with POLE-related conditions. ClinVar contains an entry for this variant (Variation ID: 1026133). Advanced modeling of protein sequence and biophysical properties (such as structural, functional, and spatial information, amino acid conservation, physicochemical variation, residue mobility, and thermodynamic stability) performed at Invitae indicates that this missense variant is not expected to disrupt POLE protein function with a negative predictive value of 80%. In summary, the available evidence is currently insufficient to determine the role of this variant in disease. Therefore, it has been classified as a Variant of Uncertain Significance.

Ambry Genetics
Classification: Likely benign for Hereditary cancer-predisposing syndrome. Last evaluated: 2024-03-29. Review status: criteria provided, single submitter. Criteria: Ambry Variant Classification Scheme 2023. Collection method: clinical testing. Allele origin: germline.